The following is an entry in ClinVar:

ClinVar aggregate classification (germline): Uncertain significance. Review status: criteria provided, multiple submitters, no conflicts (2 of 4 stars). 3 submissions from 3 submitters: Uncertain significance (3). Last evaluated 2025-08-06.

Conditions:
Hereditary cancer-predisposing syndrome. Also called: Tumor predisposition; Hereditary neoplastic syndrome; Neoplastic Syndromes, Hereditary; Hereditary Cancer Syndrome. Identifiers: Orphanet 140162, MedGen C0027672, MeSH D009386, MONDO:0015356.
Neuroblastoma, susceptibility to, 3. Also called: ALK-Related Neuroblastic Tumor Susceptibility. Identifiers: Orphanet 635, MedGen C2751681, MONDO:0013083, OMIM 613014.

Allele frequency attached by ClinVar (database versions not stated): gnomAD exomes below 0.00001; ExAC 0.00001; ESP Exome Variant Server 0.00008.
gnomAD v4.1: 3 of 1,614,258 alleles (0.00019%); highest among the groups gnomAD compares: Non-Finnish European, 0.00017%; no homozygotes.

Submissions (3):

Labcorp Genetics (formerly Invitae), Labcorp
Classification: Uncertain significance for Neuroblastoma, susceptibility to, 3. Last evaluated: 2025-08-06. Review status: criteria provided, single submitter. Criteria: Invitae Variant Classification Sherloc (09022015). Collection method: clinical testing. Allele origin: germline.
Comment: This sequence change replaces threonine, which is neutral and polar, with alanine, which is neutral and non-polar, at codon 786 of the ALK protein (p.Thr786Ala). This variant is present in population databases (rs375227499, gnomAD 0.0009%). This variant has not been reported in the literature in individuals affected with ALK-related conditions. ClinVar contains an entry for this variant (Variation ID: 1375962). An algorithm developed to predict the effect of missense changes on protein structure and function outputs the following: PolyPhen-2: "Benign". The alanine amino acid residue is found in multiple mammalian species, which suggests that this missense change does not adversely affect protein function. In summary, the available evidence is currently insufficient to determine the role of this variant in disease. Therefore, it has been classified as a Variant of Uncertain Significance.

Ambry Genetics
Classification: Uncertain significance for Hereditary cancer-predisposing syndrome. Last evaluated: 2024-09-13. Review status: criteria provided, single submitter. Criteria: Ambry Variant Classification Scheme 2023. Collection method: clinical testing. Allele origin: germline.
Comment: The p.T786A variant (also known as c.2356A>G) is located in coding exon 14 of the ALK gene. The threonine at codon 786 is replaced by alanine, an amino acid with similar properties. This change occurs in the first base pair of coding exon 14. This amino acid position is conserved. In addition, this alteration is predicted to be tolerated by in silico analysis. Since supporting evidence is limited at this time, the clinical significance of this alteration remains unclear.

Fulgent Genetics
Classification: Uncertain significance for Neuroblastoma, susceptibility to, 3. Last evaluated: 2024-03-21. Review status: criteria provided, single submitter. Criteria: ACMG Guidelines, 2015. Collection method: clinical testing. Allele origin: germline.

NM_004304.5(ALK):c.2356A>G (p.Thr786Ala)

Gene: ALK (ALK receptor tyrosine kinase; minus strand). Cytogenetic location: 2p23.2.
Variant type: single nucleotide variant.
Coding change: c.2356A>G on transcript NM_004304.5 (MANE Select); coding-DNA position 2356, A replaced by G.
Protein change: p.Thr786Ala; replaces threonine 786 with alanine.
Molecular consequence: missense variant.
Genome position (GRCh38, 1-based): chr2:29,233,696, T>C on the plus strand (A>G on the coding strand, the complement: ALK is on the minus strand). VCF-style: chr2-29233696-T-C. GRCh37 (hg19) VCF-style: chr2-29456562-T-C.
Other names: short protein forms T786A.
Identifiers: ClinVar variation 1375962 (VCV001375962.10), dbSNP rs375227499, ClinGen allele CA1594327.
Genomic context (GRCh38, chr2:29,233,696, plus strand): 5'-GGATTTCTTCTTCTATCACATTGTTCTCTCCAATGCAGACTTTCTGGATTAACTGGTTTG[T>C]CTGTAGAAACAAAAAGCACGTTAGGTTTGTGGCCAAACCAGAGTTCTCCACTTTGCAGCA-3'
Protein context (NP_004295.2, residues 776-796): GQQGEDACPS[Thr786Ala]NQLIQKVCIG